The following is an entry in ClinVar:

NM_000256.3(MYBPC3):c.2868dup (p.Thr957fs)

Gene: MYBPC3 (myosin binding protein C3; minus strand). Cytogenetic location: 11p11.2.
Variant type: Duplication.
Coding change: c.2868dup on transcript NM_000256.3 (MANE Select); coding-DNA position 2868, one base duplicated (T; older notation c.2868dupT).
Protein change: p.Thr957fs; shifts the reading frame from threonine 957.
Molecular consequence: frameshift variant.
Genome position (GRCh38, 1-based): chr11:47,335,079, A duplicated on the plus strand (T on the coding strand, the reverse complement: MYBPC3 is on the minus strand); the first of 2 consecutive A bases (chr11:47,335,079-47,335,080); duplicating either gives the same sequence. VCF-style (leftmost placement, unchanged base first): chr11-47335078-T-TA. GRCh37 (hg19) VCF-style: chr11-47356629-T-TA.
Other names: c.2868dup, p.Thr957fs (LRG_386t1); c.2868dupT (NM_000256.3); short protein forms T957fs.
Identifiers: ClinVar variation 576555 (VCV000576555.6), dbSNP rs1565624090, ClinGen allele CA891842471.
Genomic context (GRCh38, chr11:47,335,078, plus strand): 5'-GTGACTGCACAAAGGGGCACTCACGCAGGATCTCCTGCACTGTCACCGGCTCCGTGGTGG[T>TA]AACAGGGGCTCCAGGCCCTGCCATATTGTGTGCCCGCACTCGGAAAAGCAGCCGGGCCCC-3'

ClinVar aggregate classification (germline): Pathogenic (1 of 4 stars; one submission).

Conditions:
Hypertrophic cardiomyopathy. Also called: HYPERTROPHIC MYOCARDIOPATHY. Identifiers: Orphanet 217569, MedGen C0007194, MeSH D002312, MONDO:0005045, HP:0001639.

Submission:

Labcorp Genetics (formerly Invitae), Labcorp
Classification: Pathogenic for Hypertrophic cardiomyopathy. Last evaluated: 2021-12-11. Review status: criteria provided, single submitter. Criteria: Invitae Variant Classification Sherloc (09022015). Collection method: clinical testing. Allele origin: germline.
Comment: This sequence change creates a premature translational stop signal (p.Thr957Tyrfs*94) in the MYBPC3 gene. It is expected to result in an absent or disrupted protein product. Loss-of-function variants in MYBPC3 are known to be pathogenic (PMID: 19574547). This variant is not present in population databases (gnomAD no frequency). This variant has not been reported in the literature in individuals affected with MYBPC3-related conditions. ClinVar contains an entry for this variant (Variation ID: 576555). For these reasons, this variant has been classified as Pathogenic.

Literature cited by the submitters: PubMed 19574547.